The following is an entry in ClinVar:

ClinVar aggregate classification (germline): Pathogenic (1 of 4 stars; one submission).

Conditions:
Bardet-Biedl syndrome (BBS). Identifiers: Orphanet 110, MedGen C0752166, MONDO:0015229.

Submission:

Labcorp Genetics (formerly Invitae), Labcorp
Classification: Pathogenic for Bardet-Biedl syndrome. Last evaluated: 2023-07-17. Review status: criteria provided, single submitter. Criteria: Invitae Variant Classification Sherloc (09022015). Collection method: clinical testing. Allele origin: germline.
Comment: For these reasons, this variant has been classified as Pathogenic. This variant disrupts a region of the BBS12 protein in which other variant(s) (p.Ser701*) have been determined to be pathogenic (PMID: 20648243). This suggests that this is a clinically significant region of the protein, and that variants that disrupt it are likely to be disease-causing. This variant has not been reported in the literature in individuals affected with BBS12-related conditions. This variant is present in population databases (rs777861896, gnomAD 0.01%). This sequence change creates a premature translational stop signal (p.Pro159Leufs*11) in the BBS12 gene. While this is not anticipated to result in nonsense mediated decay, it is expected to disrupt the last 552 amino acid(s) of the BBS12 protein.

Literature cited by the submitters: PubMed 20648243.

NM_152618.3(BBS12):c.476del (p.Pro159fs)

Gene: BBS12 (Bardet-Biedl syndrome 12; plus strand). Cytogenetic location: 4q27.
Variant type: Deletion.
Coding change: c.476del on transcript NM_152618.3 (MANE Select); coding-DNA position 476, one base deleted (C; older notation c.476delC).
Protein change: p.Pro159fs; shifts the reading frame from proline 159.
Molecular consequence: frameshift variant.
Genome position (GRCh38, 1-based): chr4:122,742,368, C deleted; the last of 2 consecutive C bases (chr4:122,742,367-122,742,368); deleting either gives the same sequence. VCF-style (leftmost placement, unchanged base first): chr4-122742366-TC-T. GRCh37 (hg19) VCF-style: chr4-123663521-TC-T.
Other names: c.476del, p.Pro159fs (NM_001178007.2); short protein forms P159fs.
Identifiers: ClinVar variation 2821668 (VCV002821668.3), dbSNP rs777861896, ClinGen allele CA3069282.
Genomic context (GRCh38, chr4:122,742,366, plus strand): 5'-TGACTGTATGGACAGCACAAAAACATTTTCTCAACTTGAAACATTTAGTGTAAGTTTGTG[TC>T]CTTTTCTACAGGTCCCTTCAGATACTGATTTGATAGAGGAATTGCATGGTCTCAAAGATG-3'